The following is an entry in ClinVar:

ClinVar aggregate classification (germline): Uncertain significance (1 of 4 stars; one submission).

Conditions:
Frontotemporal dementia (FTD1). Also called: Frontotemporal lobe dementia (FLDEM); Frontotemporal Dementia with Parkinsonism-17 (FTDP-17); FRONTOTEMPORAL DEMENTIA WITH PARKINSONISM; FRONTOTEMPORAL LOBE DEMENTIA; WILHELMSEN-LYNCH DISEASE; Dementia, frontotemporal, with or without parkinsonism. Identifiers: Orphanet 282, MedGen C0338451, MONDO:0017276, OMIM 600274, HP:0002145.

Allele frequency attached by ClinVar (database versions not stated): gnomAD 0.00001; TOPMed 0.00001.

Submission:

Labcorp Genetics (formerly Invitae), Labcorp
Classification: Uncertain significance for Frontotemporal dementia. Last evaluated: 2025-06-11. Review status: criteria provided, single submitter. Criteria: Invitae Variant Classification Sherloc (09022015). Collection method: clinical testing. Allele origin: germline.
Comment: This sequence change replaces methionine, which is neutral and non-polar, with leucine, which is neutral and non-polar, at codon 11 of the MAPT protein (p.Met11Leu). This variant is present in population databases (no rsID available, gnomAD 0.004%). This variant has not been reported in the literature in individuals affected with MAPT-related conditions. ClinVar contains an entry for this variant (Variation ID: 2079984). An algorithm developed to predict the effect of missense changes on protein structure and function outputs the following: PolyPhen-2: "Benign". The leucine amino acid residue is found in multiple mammalian species, which suggests that this missense change does not adversely affect protein function. In summary, the available evidence is currently insufficient to determine the role of this variant in disease. Therefore, it has been classified as a Variant of Uncertain Significance.

NM_001377265.1(MAPT):c.31A>C (p.Met11Leu)

Gene: MAPT (microtubule associated protein tau). Cytogenetic location: 17q21.31.
Variant type: single nucleotide variant.
Coding change: c.31A>C on transcript NM_001377265.1 (MANE Select); coding-DNA position 31, A replaced by C.
Protein change: p.Met11Leu; replaces methionine 11 with leucine.
Molecular consequence: missense variant. On other transcripts: non-coding transcript variant (1).
Genome position (GRCh38, 1-based): chr17:45,962,368, A>C. VCF-style: chr17-45962368-A-C. GRCh37 (hg19) VCF-style: chr17-44039734-A-C.
Other names: c.31A>C, p.Met11Leu (NM_001123066.4, NM_001123067.4, NM_001203251.2 and 8 more transcripts); short protein forms M11L.
Identifiers: ClinVar variation 2079984 (VCV002079984.4), dbSNP rs1262800598, ClinGen allele CA399898481.